The following is an entry in ClinVar:

NM_003366.4(UQCRC2):c.40T>C (p.Tyr14His)

Gene: UQCRC2 (ubiquinol-cytochrome c reductase core protein 2). Cytogenetic location: 16p12.2.
Variant type: single nucleotide variant.
Coding change: c.40T>C on transcript NM_003366.4 (MANE Select); coding-DNA position 40, T replaced by C.
Protein change: p.Tyr14His; replaces tyrosine 14 with histidine.
Molecular consequence: missense variant.
Genome position (GRCh38, 1-based): chr16:21,957,241, T>C. VCF-style: chr16-21957241-T-C. GRCh37 (hg19) VCF-style: chr16-21968562-T-C.
Other names: short protein forms Y14H.
Identifiers: ClinVar variation 4719105 (VCV004719105.1).

ClinVar aggregate classification (germline): Uncertain significance (1 of 4 stars; one submission).

Submission:

Labcorp Genetics (formerly Invitae), Labcorp
Classification: Uncertain significance. Last evaluated: 2025-05-07. Review status: criteria provided, single submitter. Criteria: Invitae Variant Classification Sherloc (09022015). Collection method: clinical testing. Allele origin: germline.
Comment: This sequence change replaces tyrosine, which is neutral and polar, with histidine, which is basic and polar, at codon 14 of the UQCRC2 protein (p.Tyr14His). This variant is not present in population databases (gnomAD no frequency). This variant has not been reported in the literature in individuals affected with UQCRC2-related conditions. An algorithm developed to predict the effect of missense changes on protein structure and function (PolyPhen-2) suggests that this variant is likely to be disruptive. In summary, the available evidence is currently insufficient to determine the role of this variant in disease. Therefore, it has been classified as a Variant of Uncertain Significance.